The following is an entry in ClinVar:

NM_001377935.1(RAPGEF1):c.*908C>T

Gene: RAPGEF1 (Rap guanine nucleotide exchange factor 1; minus strand). Cytogenetic location: 9q34.13.
Variant type: single nucleotide variant.
Coding change: c.*908C>T on transcript NM_001377935.1 (MANE Select); 908 bases downstream of the stop codon, C replaced by T.
Molecular consequence: 3 prime UTR variant.
Genome position (GRCh38, 1-based): chr9:131,578,589, G>A on the plus strand (C>T on the coding strand, the complement: RAPGEF1 is on the minus strand). VCF-style: chr9-131578589-G-A. GRCh37 (hg19) VCF-style: chr9-134453976-G-A.
Other names: c.*908C>T (NM_001304275.2, NM_001377936.1, NM_001377937.1 and 3 more transcripts).
Identifiers: ClinVar variation 1274200 (VCV001274200.2), dbSNP rs3739497, ClinGen allele CA12973395.

ClinVar aggregate classification (germline): Benign. Review status: criteria provided, multiple submitters, no conflicts (2 of 4 stars). 2 submissions from 2 submitters: Benign (2). Last evaluated 2021-02-25.

Allele frequency attached by ClinVar (database versions not stated): 1000 Genomes Project 30x 0.21408; 1000 Genomes Project 0.21705; TOPMed 0.25123; gnomAD 0.27233 and 0.27310; gnomAD exomes 0.33140.
gnomAD v4.1: 41,798 of 152,358 alleles (27%); highest among the groups gnomAD compares: Non-Finnish European, 36%; 6,746 homozygotes.

Submissions (2):

GeneDx
Classification: Benign. Last evaluated: 2021-02-25. Review status: criteria provided, single submitter. Criteria: GeneDx Variant Classification Process June 2021. Collection method: clinical testing. Allele origin: germline. Affected: yes.
Comment: This variant is associated with the following publications: (PMID: 28171541)

Breakthrough Genomics
Classification: Benign. Review status: criteria provided, single submitter. Criteria: ACMG Guidelines, 2015. Collection method: not provided. Allele origin: germline. Inheritance: Unknown mechanism. Affected: yes.